The following is an entry in ClinVar:

NM_006206.6(PDGFRA):c.274G>C (p.Ala92Pro)

Gene: PDGFRA (platelet derived growth factor receptor alpha; plus strand). Cytogenetic location: 4q12.
Variant type: single nucleotide variant.
Coding change: c.274G>C on transcript NM_006206.6 (MANE Select); coding-DNA position 274, G replaced by C.
Protein change: p.Ala92Pro; replaces alanine 92 with proline.
Molecular consequence: missense variant.
Genome position (GRCh38, 1-based): chr4:54,261,319, G>C. VCF-style: chr4-54261319-G-C. GRCh37 (hg19) VCF-style: chr4-55127486-G-C.
Other names: c.274G>C, p.Ala92Pro (NM_001347827.2, NM_001347829.2); c.349G>C, p.Ala117Pro (NM_001347828.2); c.313G>C, p.Ala105Pro (NM_001347830.2); short protein forms A105P, A117P, A92P.
Identifiers: ClinVar variation 4823314 (VCV004823314.4).

ClinVar aggregate classification (germline): Uncertain significance (1 of 4 stars; one submission).

Submission:

CeGaT Center for Human Genetics Tuebingen
Classification: Uncertain significance. Last evaluated: 2026-02-01. Review status: criteria provided, single submitter. Criteria: CeGaT Center For Human Genetics Tuebingen Variant Classification Criteria Version 2. Collection method: clinical testing. Allele origin: germline. Affected: yes. Observed: 1 variant allele.
Comment: PDGFRA: PM2, BP4